The following is an entry in ClinVar:

ClinVar aggregate classification (germline): Uncertain significance (1 of 4 stars; one submission).

Conditions:
Perlman syndrome (PRLMNS). Identifiers: Orphanet 2849, MedGen C0796113, MONDO:0009965, OMIM 267000.

Allele frequency attached by ClinVar (database versions not stated): ExAC 0.00001; gnomAD 0.00001; gnomAD exomes 0.00001.
gnomAD v4.1: 7 of 1,610,574 alleles (0.00043%); highest among the groups gnomAD compares: African/African-American, 0.0053%; no homozygotes.

Submission:

Labcorp Genetics (formerly Invitae), Labcorp
Classification: Uncertain significance for Perlman syndrome. Last evaluated: 2023-09-28. Review status: criteria provided, single submitter. Criteria: Invitae Variant Classification Sherloc (09022015). Collection method: clinical testing. Allele origin: germline.
Comment: In summary, the available evidence is currently insufficient to determine the role of this variant in disease. Therefore, it has been classified as a Variant of Uncertain Significance. Advanced modeling of protein sequence and biophysical properties (such as structural, functional, and spatial information, amino acid conservation, physicochemical variation, residue mobility, and thermodynamic stability) performed at Invitae indicates that this missense variant is not expected to disrupt DIS3L2 protein function. ClinVar contains an entry for this variant (Variation ID: 653991). This variant has not been reported in the literature in individuals affected with DIS3L2-related conditions. This variant is present in population databases (rs774490217, gnomAD 0.007%). This sequence change replaces serine, which is neutral and polar, with glycine, which is neutral and non-polar, at codon 854 of the DIS3L2 protein (p.Ser854Gly).

NM_152383.5(DIS3L2):c.2560A>G (p.Ser854Gly)

Gene: DIS3L2 (DIS3 like 3'-5' exoribonuclease 2; plus strand). Cytogenetic location: 2q37.1.
Variant type: single nucleotide variant.
Coding change: c.2560A>G on transcript NM_152383.5 (MANE Select); coding-DNA position 2560, A replaced by G.
Protein change: p.Ser854Gly; replaces serine 854 with glycine.
Molecular consequence: missense variant. On other transcripts: non-coding transcript variant (2), intron variant (1).
Genome position (GRCh38, 1-based): chr2:232,336,532, A>G. VCF-style: chr2-232336532-A-G. GRCh37 (hg19) VCF-style: chr2-233201242-A-G.
Other names: c.1582-6813A>G (NM_001257281.2); short protein forms S854G.
Identifiers: ClinVar variation 653991 (VCV000653991.8), dbSNP rs774490217, ClinGen allele CA2164610.
Genomic context (GRCh38, chr2:232,336,532, plus strand): 5'-ATCACCATCTTCAGCCTGGTGGAGGTGGTCCTGCAGGCAGAGTCCACAGCCCTCAAGTAC[A>G]GCGCCATCCTGAAGCGGCCAGGCACCCAGGGCCACCTGGGCCCTGAGAAGGAGGAGGAGG-3'
Protein context (NP_689596.4, residues 844-864): LQAESTALKY[Ser854Gly]AILKRPGTQG